The following is an entry in ClinVar:

NM_058216.3(RAD51C):c.438A>G (p.Glu146=)

Gene: RAD51C (RAD51 paralog C; plus strand). Cytogenetic location: 17q22.
Variant type: single nucleotide variant.
Coding change: c.438A>G on transcript NM_058216.3 (MANE Select); coding-DNA position 438, A replaced by G.
Protein change: p.Glu146=; no amino-acid change (glutamic acid 146 retained).
Molecular consequence: synonymous variant.
Genome position (GRCh38, 1-based): chr17:58,696,726, A>G. VCF-style: chr17-58696726-A-G. GRCh37 (hg19) VCF-style: chr17-56774087-A-G.
Other names: c.438A>G (LRG_314t1).
Identifiers: ClinVar variation 234048 (VCV000234048.14), dbSNP rs876660817, ClinGen allele CA10580740.
Genomic context (GRCh38, chr17:58,696,726, plus strand): 5'-GGTTGTTTGTCATCTTTCTGTTGACAGTATGCAGTTGGCAGTAGATGTGCAGATACCAGA[A>G]TGTTTTGGAGGAGTGGCAGGTGAAGCAGTTTTTATTGATACAGAGGGAAGTTTTATGGTT-3'
Protein context (NP_478123.1, residues 136-156): MQLAVDVQIP[Glu146=]CFGGVAGEAV

ClinVar aggregate classification (germline): Benign/Likely benign. Review status: criteria provided, multiple submitters, no conflicts (2 of 4 stars). 3 submissions from 3 submitters: Benign (1); Likely benign (2). Last evaluated 2025-05-11.

Conditions:
Hereditary cancer-predisposing syndrome. Also called: Tumor predisposition; Hereditary Cancer Syndrome; Hereditary neoplastic syndrome; Neoplastic Syndromes, Hereditary. Identifiers: Orphanet 140162, MedGen C0027672, MeSH D009386, MONDO:0015356.
Fanconi anemia complementation group O. Also called: RAD51C-Related Fanconi Anemia. Identifiers: Orphanet 84, MedGen C3150653, MONDO:0013248, OMIM 613390.
Breast-ovarian cancer, familial, susceptibility to, 3. Also called: RAD51C-Related Breast/Ovarian Cancer. Identifiers: Orphanet 145, MedGen C3150659, MONDO:0013253, OMIM 613399.

Allele frequency attached by ClinVar (database versions not stated): TOPMed 0.00001.

Submissions (3):

Labcorp Genetics (formerly Invitae), Labcorp
Classification: Likely benign for Fanconi anemia complementation group O. Last evaluated: 2025-05-11. Review status: criteria provided, single submitter. Criteria: Invitae Variant Classification Sherloc (09022015). Collection method: clinical testing. Allele origin: germline.

Myriad Genetics, Inc.
Classification: Benign for Breast-ovarian cancer, familial, susceptibility to, 3. Last evaluated: 2025-02-18. Review status: criteria provided, single submitter. Criteria: Myriad Autosomal Dominant, Autosomal Recessive and X-Linked Classification Criteria (2023). Collection method: clinical testing. Allele origin: unknown.
Comment: This variant is considered benign. This variant is a silent/synonymous amino acid change and it is not expected to impact splicing.

Ambry Genetics
Classification: Likely benign for Hereditary cancer-predisposing syndrome. Last evaluated: 2015-09-23. Review status: criteria provided, single submitter. Criteria: Ambry Variant Classification Scheme 2023. Collection method: clinical testing. Allele origin: germline.